The following is an entry in ClinVar:

NM_201384.3(PLEC):c.6304C>T (p.Arg2102Cys)

Gene: PLEC (plectin; minus strand). Cytogenetic location: 8q24.3.
Variant type: single nucleotide variant.
Coding change: c.6304C>T on transcript NM_201384.3 (MANE Select); coding-DNA position 6304, C replaced by T.
Protein change: p.Arg2102Cys; replaces arginine 2102 with cysteine.
Molecular consequence: missense variant.
Genome position (GRCh38, 1-based): chr8:143,923,625, G>A on the plus strand (C>T on the coding strand, the complement: PLEC is on the minus strand). VCF-style: chr8-143923625-G-A. GRCh37 (hg19) VCF-style: chr8-144997793-G-A.
Other names: c.6385C>T, p.Arg2129Cys (NM_000445.5); c.6262C>T, p.Arg2088Cys (NM_201378.4); c.6238C>T, p.Arg2080Cys (NM_201379.3); c.6715C>T, p.Arg2239Cys (NM_201380.4); c.6208C>T, p.Arg2070Cys (NM_201381.3); c.6304C>T, p.Arg2102Cys (NM_201382.4); c.6316C>T, p.Arg2106Cys (NM_201383.3); short protein forms R2106C, R2129C, R2070C, R2102C, R2239C, R2080C, R2088C.
Identifiers: ClinVar variation 935122 (VCV000935122.7), dbSNP rs550190726, ClinGen allele CA4926048.
Genomic context (GRCh38, chr8:143,923,625, plus strand): 5'-CTGCCGACTGCTTCAGCCGCTCGGCCTCTTCCACCTGCCGCCGGGACTGCGCCGCCTCAC[G>A]CTCCGCCTGCACCCGGGCCTCCTCCGCCTCCTCAGCCGCCCGCCGGGCCGCCTCCGCCTC-3'
Protein context (NP_958786.1, residues 2092-2112): EAEEARVQAE[Arg2102Cys]EAAQSRRQVE

ClinVar aggregate classification (germline): Uncertain significance (1 of 4 stars; one submission).

Conditions:
Epidermolysis bullosa simplex 5B, with muscular dystrophy (EBS5B). Also called: EPIDERMOLYSIS BULLOSA SIMPLEX AND LIMB-GIRDLE MUSCULAR DYSTROPHY; Epidermolysis bullosa simplex with muscular dystrophy. Identifiers: Orphanet 257, MedGen C2931072, MONDO:0009181, OMIM 226670.
Epidermolysis bullosa simplex, Ogna type (EBS5A). Also called: Pidermolysis bullosa simplex 5A, Ogna type; EPIDERMOLYSIS BULLOSA SIMPLEX 5A, OGNA TYPE. Identifiers: Orphanet 79401, MedGen C0432317, MONDO:0007555, OMIM 131950.
Epidermolysis bullosa simplex 5C, with pyloric atresia (EBS5C). Also called: Epidermolysis bullosa simplex with pyloric atresia; PLEC-Related Epidermolysis Bullosa with Pyloric Atresia; PLEC1-Related Epidermolysis Bullosa with Pyloric Atresia. Identifiers: Orphanet 158684, MedGen C2677349, MONDO:0012807, OMIM 612138.
Epidermolysis bullosa simplex with nail dystrophy (EBS5D). Identifiers: MedGen C4225309, MONDO:0014661, OMIM 616487.
Autosomal recessive limb-girdle muscular dystrophy type 2Q (LGMDR17). Also called: MUSCULAR DYSTROPHY, LIMB-GIRDLE, AUTOSOMAL RECESSIVE 17. Identifiers: Orphanet 254361, MedGen C3150989, MONDO:0013390, OMIM 613723.

Allele frequency attached by ClinVar (database versions not stated): ExAC 0.00001; gnomAD 0.00001; gnomAD exomes 0.00001; TOPMed 0.00001; 1000 Genomes Project 30x 0.00016; 1000 Genomes Project 0.00020.
gnomAD v4.1: 10 of 1,587,386 alleles (0.00063%); highest among the groups gnomAD compares: East Asian, 0.0068%; no homozygotes.

Submission:

Labcorp Genetics (formerly Invitae), Labcorp
Classification: Uncertain significance for Autosomal recessive limb-girdle muscular dystrophy type 2Q; Epidermolysis bullosa simplex, Ogna type; Epidermolysis bullosa simplex with nail dystrophy; Epidermolysis bullosa simplex 5C, with pyloric atresia; Epidermolysis bullosa simplex 5B, with muscular dystrophy. Last evaluated: 2019-06-13. Review status: criteria provided, single submitter. Criteria: Invitae Variant Classification Sherloc (09022015). Collection method: clinical testing. Allele origin: germline.
Comment: In summary, the available evidence is currently insufficient to determine the role of this variant in disease. Therefore, it has been classified as a Variant of Uncertain Significance. Algorithms developed to predict the effect of missense changes on protein structure and function are either unavailable or do not agree on the potential impact of this missense change (SIFT: "Deleterious"; PolyPhen-2: "Benign"; Align-GVGD: "Class C0"). This variant has not been reported in the literature in individuals with PLEC-related conditions. This variant is present in population databases (rs550190726, ExAC 0.02%). This sequence change replaces arginine with cysteine at codon 2129 of the PLEC protein (p.Arg2129Cys). The arginine residue is moderately conserved and there is a large physicochemical difference between arginine and cysteine.